The following is an entry in ClinVar:

NC_000019.9:g.(?_7618738)_(7619178_?)del

Gene: PNPLA6 (patatin like domain 6, lysophospholipase; plus strand). Cytogenetic location: 19p13.2.
Variant type: Deletion.
Identifiers: ClinVar variation 2425633 (VCV002425633.3).

ClinVar aggregate classification (germline): Pathogenic (1 of 4 stars; one submission).

Conditions:
Hereditary spastic paraplegia 39 (SPG39). Also called: Spastic Paraplegia Type 39 (SPG39); SPASTIC PARAPLEGIA 39, AUTOSOMAL RECESSIVE. Identifiers: Orphanet 139480, MedGen C2677586, MONDO:0012787, OMIM 612020.

Submission:

Labcorp Genetics (formerly Invitae), Labcorp
Classification: Pathogenic for Hereditary spastic paraplegia 39. Last evaluated: 2022-08-23. Review status: criteria provided, single submitter. Criteria: Invitae Variant Classification Sherloc (09022015). Collection method: clinical testing. Allele origin: germline.
Comment: This variant is a gross deletion of the genomic region encompassing exon(s) 22-23 of the PNPLA6 gene. This deletion is out-of-frame, and is expected to create a premature termination codon and result in an absent or disrupted protein product. Loss-of-function variants in PNPLA6 are known to be pathogenic (PMID: 24355708). This variant has not been reported in the literature in individuals affected with PNPLA6-related conditions. For these reasons, this variant has been classified as Pathogenic.

Literature cited by the submitters: PubMed 24355708.